The following is an entry in ClinVar:

NM_015164.4(PLEKHM2):c.1327G>A (p.Gly443Arg)

Gene: PLEKHM2 (pleckstrin homology and RUN domain containing M2; plus strand). Cytogenetic location: 1p36.21.
Variant type: single nucleotide variant.
Coding change: c.1327G>A on transcript NM_015164.4 (MANE Select); coding-DNA position 1327, G replaced by A.
Protein change: p.Gly443Arg; replaces glycine 443 with arginine.
Molecular consequence: missense variant.
Genome position (GRCh38, 1-based): chr1:15,727,399, G>A. VCF-style: chr1-15727399-G-A. GRCh37 (hg19) VCF-style: chr1-16053894-G-A.
Other names: c.1267G>A, p.Gly423Arg (NM_001410755.1); short protein forms G443R, G423R.
Identifiers: ClinVar variation 2156913 (VCV002156913.4), dbSNP rs763586821, ClinGen allele CA616918.

ClinVar aggregate classification (germline): Uncertain significance (1 of 4 stars; one submission).

Allele frequency attached by ClinVar (database versions not stated): gnomAD 0.00001; ExAC 0.00005.
gnomAD v4.1: 19 of 1,604,036 alleles (0.0012%); highest among the groups gnomAD compares: East Asian, 0.023%; no homozygotes.

Submission:

Labcorp Genetics (formerly Invitae), Labcorp
Classification: Uncertain significance. Last evaluated: 2023-09-08. Review status: criteria provided, single submitter. Criteria: Invitae Variant Classification Sherloc (09022015). Collection method: clinical testing. Allele origin: germline.
Comment: In summary, the available evidence is currently insufficient to determine the role of this variant in disease. Therefore, it has been classified as a Variant of Uncertain Significance. An algorithm developed to predict the effect of missense changes on protein structure and function (PolyPhen-2) suggests that this variant is likely to be tolerated. ClinVar contains an entry for this variant (Variation ID: 2156913). This variant has not been reported in the literature in individuals affected with PLEKHM2-related conditions. This variant is present in population databases (rs763586821, gnomAD 0.06%). This sequence change replaces glycine, which is neutral and non-polar, with arginine, which is basic and polar, at codon 443 of the PLEKHM2 protein (p.Gly443Arg).